The following is an entry in ClinVar:

NM_001034853.2(RPGR):c.1573-18_1573-15del

Gene: RPGR (retinitis pigmentosa GTPase regulator; minus strand). Cytogenetic location: Xp11.4.
Variant type: Deletion.
Coding change: c.1573-18_1573-15del on transcript NM_001034853.2 (MANE Select); 18 bases into the intron before coding-DNA position 1573 through 15 bases into the intron before coding-DNA position 1573, 4 bases deleted (ACTT; older notation c.1573-18_1573-15delACTT).
Molecular consequence: intron variant.
Genome position (GRCh38, 1-based): chrX:38,288,056-38,288,059, AAGT deleted on the plus strand (ACTT on the coding strand, the reverse complement: RPGR is on the minus strand); deleting any 4 consecutive bases within chrX:38,288,056-38,288,061 gives the same sequence; the c. name uses the placement nearest the transcript's 3' end. VCF-style (leftmost placement, unchanged base first): chrX-38288055-GAAGT-G. GRCh37 (hg19) VCF-style: chrX-38147308-GAAGT-G.
Other names: c.1569+2900_1569+2903del (NM_001367249.1, NM_001367250.1); c.1570-18_1570-15del (NM_001367245.1); c.1386+2900_1386+2903del (NM_001367251.1); c.1387-18_1387-15del (NM_001367246.1); c.1572+2900_1572+2903del (NM_001367247.1); c.1573-18_1573-15del (NM_000328.3); c.1602+2900_1602+2903del (NM_001367248.1).
Identifiers: ClinVar variation 2802788 (VCV002802788.3), dbSNP rs1569238859, ClinGen allele CA920406010.

ClinVar aggregate classification (germline): Uncertain significance (1 of 4 stars; one submission).

Conditions:
Primary ciliary dyskinesia. Also called: Ciliary dyskinesia. Identifiers: Orphanet 244, MedGen C0008780, MONDO:0016575, HP:0012265.

Submission:

Labcorp Genetics (formerly Invitae), Labcorp
Classification: Uncertain significance for Primary ciliary dyskinesia. Last evaluated: 2023-10-08. Review status: criteria provided, single submitter. Criteria: Invitae Variant Classification Sherloc (09022015). Collection method: clinical testing. Allele origin: germline.
Comment: This sequence change falls in intron 13 of the RPGR gene. It does not directly change the encoded amino acid sequence of the RPGR protein. This variant is not present in population databases (gnomAD no frequency). This variant has not been reported in the literature in individuals affected with RPGR-related conditions. Algorithms developed to predict the effect of sequence changes on RNA splicing suggest that this variant may disrupt the consensus splice site. In summary, the available evidence is currently insufficient to determine the role of this variant in disease. Therefore, it has been classified as a Variant of Uncertain Significance.